The following is an entry in ClinVar:

NM_024675.4(PALB2):c.325C>A (p.Pro109Thr)

Gene: PALB2 (partner and localizer of BRCA2; minus strand). Cytogenetic location: 16p12.2.
Variant type: single nucleotide variant.
Coding change: c.325C>A on transcript NM_024675.4 (MANE Select); coding-DNA position 325, C replaced by A.
Protein change: p.Pro109Thr; replaces proline 109 with threonine.
Molecular consequence: missense variant. On other transcripts: 5 prime UTR variant (8), intron variant (3).
Genome position (GRCh38, 1-based): chr16:23,636,221, G>T on the plus strand (C>A on the coding strand, the complement: PALB2 is on the minus strand). VCF-style: chr16-23636221-G-T. GRCh37 (hg19) VCF-style: chr16-23647542-G-T.
Other names: c.265C>A, p.Pro89Thr (NM_001407296.1); c.325C>A, p.Pro109Thr (NM_001407297.1, NM_001407298.1, NM_001407299.1 and 3 more transcripts); c.-561C>A (NM_001407304.1, NM_001407305.1, NM_001407306.1 and 5 more transcripts); c.48+4889C>A (NM_001407314.1); c.-105+4889C>A (NM_001407313.1, NM_001407312.1); short protein forms P109T, P89T.
Identifiers: ClinVar variation 3717221 (VCV003717221.2).

ClinVar aggregate classification (germline): Uncertain significance (1 of 4 stars; one submission).

Conditions:
Familial cancer of breast. Also called: BREAST CANCER, FAMILIAL; Hereditary breast cancer; hereditary breast carcinoma. Identifiers: Orphanet 227535, MedGen C0346153, MONDO:0016419, OMIM 114480. Disease mechanism: loss of function.

Submission:

Labcorp Genetics (formerly Invitae), Labcorp
Classification: Uncertain significance for Familial cancer of breast. Last evaluated: 2024-09-15. Review status: criteria provided, single submitter. Criteria: Invitae Variant Classification Sherloc (09022015). Collection method: clinical testing. Allele origin: germline.
Comment: This sequence change replaces proline, which is neutral and non-polar, with threonine, which is neutral and polar, at codon 109 of the PALB2 protein (p.Pro109Thr). This variant is not present in population databases (gnomAD no frequency). This variant has not been reported in the literature in individuals affected with PALB2-related conditions. An algorithm developed to predict the effect of missense changes on protein structure and function outputs the following: PolyPhen-2: "Benign". The threonine amino acid residue is found in multiple mammalian species, which suggests that this missense change does not adversely affect protein function. In summary, the available evidence is currently insufficient to determine the role of this variant in disease. Therefore, it has been classified as a Variant of Uncertain Significance.